The following is an entry in ClinVar:

ClinVar aggregate classification (germline): Likely benign. Review status: criteria provided, single submitter (1 of 4 stars). 2 submissions from 1 submitter: Likely benign (2). Last evaluated 2018-01-12.

Conditions:
Histiocytic medullary reticulosis. Also called: SEVERE COMBINED IMMUNODEFICIENCY WITH HYPEREOSINOPHILIA; Omenn syndrome. Identifiers: Orphanet 39041, MedGen C2700553, MONDO:0011338, OMIM 603554.
Severe combined immunodeficiency, autosomal recessive, T cell-negative, B cell-negative, NK cell-positive. Also called: SCID, T CELL-NEGATIVE, B CELL-NEGATIVE, NK CELL-POSITIVE; SCID, AR, T-cell negative, B-cell negative, NK cell-positive; Severe combined immunodeficiency due to complete RAG1/2 deficiency. Identifiers: Orphanet 331206, MedGen C1832322, MONDO:0011086, OMIM 601457.

Allele frequency attached by ClinVar (database versions not stated): gnomAD 0.00297 and 0.00313; 1000 Genomes Project 30x 0.00344; 1000 Genomes Project 0.00359; TOPMed 0.00363.

Submissions (2):

Illumina Laboratory Services, Illumina
Classification: Likely benign for Histiocytic medullary reticulosis. Last evaluated: 2018-01-12. Review status: criteria provided, single submitter. Criteria: ICSL Variant Classification Criteria 13 December 2019. Collection method: clinical testing. Allele origin: germline.
Comment: This variant was observed in the ICSL laboratory as part of a predisposition screen in an ostensibly healthy population. It had not been previously curated by ICSL or reported in the Human Gene Mutation Database (HGMD: prior to June 1st, 2018), and was therefore a candidate for classification through an automated scoring system. Utilizing variant allele frequency, disease prevalence and penetrance estimates, and inheritance mode, an automated score was calculated to assess if this variant is too frequent to cause the disease. Based on the score and internal cut-off values, a variant classified as likely benign is not then subjected to further curation. The score for this variant resulted in a classification of likely benign for this disease.

Illumina Laboratory Services, Illumina
Classification: Likely benign for Severe combined immunodeficiency, autosomal recessive, T cell-negative, B cell-negative, NK cell-positive. Last evaluated: 2018-01-12. Review status: criteria provided, single submitter. Criteria: ICSL Variant Classification Criteria 13 December 2019. Collection method: clinical testing. Allele origin: germline.
Comment: the same text as in the submission from Illumina Laboratory Services, Illumina above.

NM_000448.3(RAG1):c.*3156A>G

Gene: RAG1 (recombination activating 1; plus strand). Cytogenetic location: 11p12.
Variant type: single nucleotide variant.
Coding change: c.*3156A>G on transcript NM_000448.3 (MANE Select); 3156 bases downstream of the stop codon, A replaced by G.
Molecular consequence: 3 prime UTR variant.
Genome position (GRCh38, 1-based): chr11:36,579,592, A>G. VCF-style: chr11-36579592-A-G. GRCh37 (hg19) VCF-style: chr11-36601142-A-G.
Other names: c.*3156A>G (NM_001377280.1, NM_001377277.1, NM_001377278.1 and 1 more transcripts).
Identifiers: ClinVar variation 304539 (VCV000304539.5), dbSNP rs183729240, ClinGen allele CA10639023.